The following is an entry in ClinVar:

ClinVar aggregate classification (germline): Uncertain significance. Review status: criteria provided, multiple submitters, no conflicts (2 of 4 stars). 2 submissions from 2 submitters: Uncertain significance (2). Last evaluated 2025-02-05.

Conditions:
Alstrom syndrome (ALMS). Identifiers: Orphanet 64, MedGen C0268425, MONDO:0008763, OMIM 203800.

Allele frequency attached by ClinVar (database versions not stated): gnomAD exomes 0.00001; TOPMed 0.00001; ExAC 0.00002.
gnomAD v4.1: 12 of 1,614,114 alleles (0.00074%); highest among the groups gnomAD compares: South Asian, 0.011%; no homozygotes.

Submissions (2):

Labcorp Genetics (formerly Invitae), Labcorp
Classification: Uncertain significance for Alstrom syndrome. Last evaluated: 2025-02-05. Review status: criteria provided, single submitter. Criteria: Invitae Variant Classification Sherloc (09022015). Collection method: clinical testing. Allele origin: germline.
Comment: This sequence change replaces arginine, which is basic and polar, with glycine, which is neutral and non-polar, at codon 3611 of the ALMS1 protein (p.Arg3611Gly). This variant is present in population databases (rs757748994, gnomAD 0.02%). This missense change has been observed in individual(s) with rod-cone dystrophy (PMID: 35764379). ClinVar contains an entry for this variant (Variation ID: 2584629). Experimental studies and prediction algorithms are not available or were not evaluated, and the functional significance of this variant is currently unknown. In summary, the available evidence is currently insufficient to determine the role of this variant in disease. Therefore, it has been classified as a Variant of Uncertain Significance.

New York Genome Center
Classification: Uncertain significance for Alstrom syndrome. Last evaluated: 2022-11-29. Review status: criteria provided, single submitter. Criteria: NYGC Assertion Criteria 2020. Collection method: clinical testing. Allele origin: germline. Observed: 1 variant allele.
Comment: The c.10828A>G, p.(Arg3610Gly) variant identified in the ALMS1 gene substitutes a moderately conserved Arginine for Glycine at amino acid 3610/4169 (exon 16/23; MANE select transcript NM_001378454.1). This variant is found with low frequency in population database (gnomAD,BRAVO-TOPMed, All of Us) with highest allele frequency 7.5e-6 (2 heterozygotes, 0 homozygotes, BRAVO-TOPMed), suggesting it is not a common benign variant in the populations represented in those databases. In silico algorithms do not predict this variant to be deleterious to the canonical transcript (REVEL; score=0.191). This variant absent from ClinVar and to our current knowledge has not been reported in affected individuals in the literature. Given the lack of compelling evidence, the c.10828A>G, p.(Arg3610Gly) variant identified in the ALMS1 gene is reported as a Variant of Uncertain Significance.

Literature cited by the submitters: PubMed 35764379 (cited by Labcorp Genetics (formerly Invitae), Labcorp).

NM_001378454.1(ALMS1):c.10828A>G (p.Arg3610Gly)

Gene: ALMS1 (ALMS1 centrosome and basal body associated protein; plus strand). Cytogenetic location: 2p13.1.
Variant type: single nucleotide variant.
Coding change: c.10828A>G on transcript NM_001378454.1 (MANE Select); coding-DNA position 10828, A replaced by G.
Protein change: p.Arg3610Gly; replaces arginine 3610 with glycine.
Molecular consequence: missense variant.
Genome position (GRCh38, 1-based): chr2:73,572,705, A>G. VCF-style: chr2-73572705-A-G. GRCh37 (hg19) VCF-style: chr2-73799832-A-G.
Other names: c.10831A>G, p.Arg3611Gly (NM_015120.4); short protein forms R3610G, R3611G.
Identifiers: ClinVar variation 2584629 (VCV002584629.3), dbSNP rs757748994, ClinGen allele CA1715067.
Genomic context (GRCh38, chr2:73,572,705, plus strand): 5'-CAAACAACTCAGCACACTGTGAGTTTGAATGAACTGTGGAACAAGTATCGGGAGCGACAG[A>G]GGCAACAGAGACAGCCTGAGTTGGGTGACAGGAAAGAACTGTCCTTGGTGGACCGACTTG-3'
Protein context (NP_001365383.1, residues 3600-3620): ELWNKYRERQ[Arg3610Gly]QQRQPELGDR